The following is an entry in ClinVar:

ClinVar aggregate classification (germline): Benign (0 of 4 stars; one submission).

Conditions:
APOD-related disorder. Also called: APOD-related condition.

Allele frequency attached by ClinVar (database versions not stated): gnomAD exomes 0.00028; ExAC 0.00087; 1000 Genomes Project 30x 0.00250; 1000 Genomes Project 0.00260; gnomAD 0.00281; TOPMed 0.00312; ESP Exome Variant Server 0.00354.
gnomAD v4.1: 850 of 1,614,094 alleles (0.053%); highest among the groups gnomAD compares: African/African-American, 1%; 2 homozygotes.

Submission:

PreventionGenetics, part of Exact Sciences
Classification: Benign for APOD-related condition. Last evaluated: 2019-06-24. Review status: no assertion criteria provided. Collection method: clinical testing. Allele origin: germline.
Comment: This variant is classified as benign based on ACMG/AMP sequence variant interpretation guidelines (Richards et al. 2015 PMID: 25741868, with internal and published modifications).

NM_001647.4(APOD):c.166T>G (p.Phe56Val)

Gene: APOD (apolipoprotein D; minus strand). Cytogenetic location: 3q29.
Variant type: single nucleotide variant.
Coding change: c.166T>G on transcript NM_001647.4 (MANE Select); coding-DNA position 166, T replaced by G.
Protein change: p.Phe56Val; replaces phenylalanine 56 with valine.
Molecular consequence: missense variant.
Genome position (GRCh38, 1-based): chr3:195,573,929, A>C on the plus strand (T>G on the coding strand, the complement: APOD is on the minus strand). VCF-style: chr3-195573929-A-C. GRCh37 (hg19) VCF-style: chr3-195300800-A-C.
Other names: short protein forms F56V.
Identifiers: ClinVar variation 3044850 (VCV003044850.2), dbSNP rs144811342, ClinGen allele CA2765363.